The following is an entry in ClinVar:

NM_020964.3(EPG5):c.6871A>G (p.Ser2291Gly)

Gene: EPG5 (ectopic P-granules 5 autophagy tethering factor; minus strand). Cytogenetic location: 18q12.3.
Variant type: single nucleotide variant.
Coding change: c.6871A>G on transcript NM_020964.3 (MANE Select); coding-DNA position 6871, A replaced by G.
Protein change: p.Ser2291Gly; replaces serine 2291 with glycine.
Molecular consequence: missense variant.
Genome position (GRCh38, 1-based): chr18:45,860,242, T>C on the plus strand (A>G on the coding strand, the complement: EPG5 is on the minus strand). VCF-style: chr18-45860242-T-C. GRCh37 (hg19) VCF-style: chr18-43440207-T-C.
Other names: c.6871A>G, p.Ser2291Gly (LRG_1234t1); short protein forms S2291G.
Identifiers: ClinVar variation 392190 (VCV000392190.13), dbSNP rs372382701, ClinGen allele CA8948125.

ClinVar aggregate classification (germline): Uncertain significance. Review status: criteria provided, multiple submitters, no conflicts (2 of 4 stars). 4 submissions from 4 submitters: Uncertain significance (4). Last evaluated 2025-05-20.

Conditions:
Inborn genetic diseases. Identifiers: MedGen C0950123, MeSH D030342.
Vici syndrome (VICIS). Identifiers: Orphanet 1493, MedGen C1855772, MONDO:0009452, OMIM 242840.

Allele frequency attached by ClinVar (database versions not stated): gnomAD exomes 0.00002 and 0.00004; ExAC 0.00006; ESP Exome Variant Server 0.00016; gnomAD 0.00020 and 0.00022; TOPMed 0.00020.
gnomAD v4.1: 59 of 1,614,246 alleles (0.0037%); highest among the groups gnomAD compares: African/African-American, 0.071%; no homozygotes.

Submissions (4):

Women's Health and Genetics/Laboratory Corporation of America, LabCorp
Classification: Uncertain significance. Last evaluated: 2025-05-20. Review status: criteria provided, single submitter. Criteria: LabCorp Variant Classification Summary - May 2015. Collection method: clinical testing. Allele origin: germline.
Comment: Variant summary: EPG5 c.6871A>G (p.Ser2291Gly) results in a non-conservative amino acid change in the encoded protein sequence. Algorithms developed to predict the effect of missense changes on protein structure and function are either unavailable or do not agree on the potential impact of this missense change. The variant allele was found at a frequency of 4.4e-05 in 249296 control chromosomes. This frequency is not significantly higher than estimated for a pathogenic variant in EPG5 causing Vici Syndrome, allowing no conclusion about variant significance. To our knowledge, no occurrence of c.6871A>G in individuals affected with Vici Syndrome and no experimental evidence demonstrating its impact on protein function have been reported. ClinVar contains an entry for this variant (Variation ID: 392190). Based on the evidence outlined above, the variant was classified as uncertain significance.

Ambry Genetics
Classification: Uncertain significance for Inborn genetic diseases. Last evaluated: 2025-02-18. Review status: criteria provided, single submitter. Criteria: Ambry Variant Classification Scheme 2023. Collection method: clinical testing. Allele origin: germline.

Labcorp Genetics (formerly Invitae), Labcorp
Classification: Uncertain significance for Vici syndrome. Last evaluated: 2022-10-17. Review status: criteria provided, single submitter. Criteria: Invitae Variant Classification Sherloc (09022015). Collection method: clinical testing. Allele origin: germline.
Comment: This sequence change replaces serine, which is neutral and polar, with glycine, which is neutral and non-polar, at codon 2291 of the EPG5 protein (p.Ser2291Gly). This variant is present in population databases (rs372382701, gnomAD 0.08%). This variant has not been reported in the literature in individuals affected with EPG5-related conditions. ClinVar contains an entry for this variant (Variation ID: 392190). Advanced modeling of protein sequence and biophysical properties (such as structural, functional, and spatial information, amino acid conservation, physicochemical variation, residue mobility, and thermodynamic stability) performed at Invitae indicates that this missense variant is not expected to disrupt EPG5 protein function. In summary, the available evidence is currently insufficient to determine the role of this variant in disease. Therefore, it has been classified as a Variant of Uncertain Significance.

GeneDx
Classification: Uncertain significance. Last evaluated: 2017-01-13. Review status: criteria provided, single submitter. Criteria: GeneDx Variant Classification (06012015). Collection method: clinical testing. Allele origin: germline. Affected: yes.
Comment: The S2291G variant in the EPG5 gene has not been reported previously as a pathogenic variant, nor as a benign variant, to our knowledge. Although not reported in the homozygous state, the S2291G variant was observed at a frequency of 0.05%, 2/4034 alleles, in individuals of African American ancestry by the NHLBI Exome Sequencing Project. The S2291G variant is a non-conservative amino acid substitution, which is likely to impact secondary protein structure as these residues differ in polarity, charge, size and/or other properties. This substitution occurs at a position that is conserved in mammals. In silico analysis is inconsistent in its predictions as to whether or not the variant is damaging to the protein structure/function. We interpret S2291G as a variant of uncertain significance.